The following is an entry in ClinVar:

ClinVar aggregate classification (germline): Uncertain significance (1 of 4 stars; one submission).

Conditions:
Hereditary cancer-predisposing syndrome. Also called: Tumor predisposition; Hereditary Cancer Syndrome; Hereditary neoplastic syndrome; Neoplastic Syndromes, Hereditary. Identifiers: Orphanet 140162, MedGen C0027672, MeSH D009386, MONDO:0015356.

gnomAD v4.1: 1 of 1,614,012 alleles (0.000062%); no homozygotes.

Submission:

Ambry Genetics
Classification: Uncertain significance for Hereditary cancer-predisposing syndrome. Last evaluated: 2024-04-27. Review status: criteria provided, single submitter. Criteria: Ambry Variant Classification Scheme 2023. Collection method: clinical testing. Allele origin: germline.
Comment: The p.G1619E variant (also known as c.4856G>A), located in coding exon 29 of the ALK gene, results from a G to A substitution at nucleotide position 4856. The glycine at codon 1619 is replaced by glutamic acid, an amino acid with similar properties. This amino acid position is conserved. In addition, this alteration is predicted to be tolerated by in silico analysis. Based on the available evidence, the clinical significance of this variant remains unclear.

NM_004304.5(ALK):c.4856G>A (p.Gly1619Glu)

Gene: ALK (ALK receptor tyrosine kinase; minus strand). Cytogenetic location: 2p23.2.
Variant type: single nucleotide variant.
Coding change: c.4856G>A on transcript NM_004304.5 (MANE Select); coding-DNA position 4856, G replaced by A.
Protein change: p.Gly1619Glu; replaces glycine 1619 with glutamic acid.
Molecular consequence: missense variant.
Genome position (GRCh38, 1-based): chr2:29,193,231, C>T on the plus strand (G>A on the coding strand, the complement: ALK is on the minus strand). VCF-style: chr2-29193231-C-T. GRCh37 (hg19) VCF-style: chr2-29416097-C-T.
Other names: c.1652G>A, p.Gly551Glu (NM_001353765.2); short protein forms G1619E, G551E.
Identifiers: ClinVar variation 3286014 (VCV003286014.1).